The following is an entry in ClinVar:

ClinVar aggregate classification (germline): Uncertain significance. Review status: criteria provided, multiple submitters, no conflicts (2 of 4 stars). 2 submissions from 2 submitters: Uncertain significance (2). Last evaluated 2025-04-03.

Conditions:
Primary ciliary dyskinesia 23 (CILD23). Also called: CILIARY DYSKINESIA, PRIMARY, 23, WITH OR WITHOUT SITUS INVERSUS. Identifiers: Orphanet 244, MedGen C3809548, MONDO:0014193, OMIM 615451.
Primary ciliary dyskinesia. Also called: Ciliary dyskinesia. Identifiers: Orphanet 244, MedGen C0008780, MONDO:0016575, HP:0012265.

Allele frequency attached by ClinVar (database versions not stated): gnomAD exomes below 0.00001 and 0.00001; TOPMed below 0.00001; gnomAD 0.00001.
gnomAD v4.1: 5 of 1,606,556 alleles (0.00031%); highest among the groups gnomAD compares: African/African-American, 0.0013%; no homozygotes.

Submissions (2):

Ambry Genetics
Classification: Uncertain significance for Primary ciliary dyskinesia. Last evaluated: 2025-04-03. Review status: criteria provided, single submitter. Criteria: Ambry Variant Classification Scheme 2023. Collection method: clinical testing. Allele origin: germline.

Labcorp Genetics (formerly Invitae), Labcorp
Classification: Uncertain significance for Primary ciliary dyskinesia 23. Last evaluated: 2021-08-04. Review status: criteria provided, single submitter. Criteria: Invitae Variant Classification Sherloc (09022015). Collection method: clinical testing. Allele origin: germline.
Comment: In summary, the available evidence is currently insufficient to determine the role of this variant in disease. Therefore, it has been classified as a Variant of Uncertain Significance. This sequence change replaces isoleucine with methionine at codon 419 of the ARMC4 protein (p.Ile419Met). The isoleucine residue is weakly conserved and there is a small physicochemical difference between isoleucine and methionine. This variant is not present in population databases (ExAC no frequency). This variant has not been reported in the literature in individuals affected with ARMC4-related conditions. Algorithms developed to predict the effect of missense changes on protein structure and function (SIFT, PolyPhen-2, Align-GVGD) all suggest that this variant is likely to be tolerated.

NM_018076.5(ODAD2):c.1257T>G (p.Ile419Met)

Gene: ODAD2 (outer dynein arm docking complex subunit 2; minus strand). Cytogenetic location: 10p12.1.
Variant type: single nucleotide variant.
Coding change: c.1257T>G on transcript NM_018076.5 (MANE Select); coding-DNA position 1257, T replaced by G.
Protein change: p.Ile419Met; replaces isoleucine 419 with methionine.
Molecular consequence: missense variant. On other transcripts: 5 prime UTR variant (1).
Genome position (GRCh38, 1-based): chr10:27,961,697, A>C on the plus strand (T>G on the coding strand, the complement: ODAD2 is on the minus strand). VCF-style: chr10-27961697-A-C. GRCh37 (hg19) VCF-style: chr10-28250626-A-C.
Other names: c.1257T>G, p.Ile419Met (NM_001290020.2); c.-169T>G (NM_001290021.2); c.333T>G, p.Ile111Met (NM_001312689.2); c.1257T>G (NM_018076.2); short protein forms I111M, I419M.
Identifiers: ClinVar variation 1681382 (VCV001681382.7), dbSNP rs1162274365, ClinGen allele CA376394898.